The following is an entry in ClinVar:

ClinVar aggregate classification (germline): Uncertain significance (1 of 4 stars; one submission).

Conditions:
Familial cancer of breast. Also called: hereditary breast carcinoma; Hereditary breast cancer; BREAST CANCER, FAMILIAL. Identifiers: Orphanet 227535, MedGen C0346153, MONDO:0016419, OMIM 114480. Disease mechanism: loss of function.

Submission:

Labcorp Genetics (formerly Invitae), Labcorp
Classification: Uncertain significance for Familial cancer of breast. Last evaluated: 2020-06-21. Review status: criteria provided, single submitter. Criteria: Invitae Variant Classification Sherloc (09022015). Collection method: clinical testing. Allele origin: germline.
Comment: This sequence change replaces arginine with glycine at codon 58 of the BARD1 protein (p.Arg58Gly). The arginine residue is moderately conserved and there is a moderate physicochemical difference between arginine and glycine. This variant is not present in population databases (ExAC no frequency). This variant has not been reported in the literature in individuals with BARD1-related conditions. Algorithms developed to predict the effect of missense changes on protein structure and function (SIFT, PolyPhen-2, Align-GVGD) all suggest that this variant is likely to be disruptive, but these predictions have not been confirmed by published functional studies and their clinical significance is uncertain. In summary, the available evidence is currently insufficient to determine the role of this variant in disease. Therefore, it has been classified as a Variant of Uncertain Significance.

NM_000465.4(BARD1):c.172A>G (p.Arg58Gly)

Gene: BARD1 (BRCA1 associated RING domain 1; minus strand). Cytogenetic location: 2q35.
Variant type: single nucleotide variant.
Coding change: c.172A>G on transcript NM_000465.4 (MANE Select); coding-DNA position 172, A replaced by G.
Protein change: p.Arg58Gly; replaces arginine 58 with glycine.
Molecular consequence: missense variant. On other transcripts: non-coding transcript variant (2), intron variant (2).
Genome position (GRCh38, 1-based): chr2:214,797,104, T>C on the plus strand (A>G on the coding strand, the complement: BARD1 is on the minus strand). VCF-style: chr2-214797104-T-C. GRCh37 (hg19) VCF-style: chr2-215661828-T-C.
Other names: c.172A>G, p.Arg58Gly (NM_001282545.2, NM_001282549.2); c.158+12308A>G (NM_001282548.2); c.159-4659A>G (NM_001282543.2); short protein forms R58G.
Identifiers: ClinVar variation 1037606 (VCV001037606.9), dbSNP rs1695794289, ClinGen allele CA350462311.